The following is an entry in ClinVar:

NM_152309.3(PIK3AP1):c.2317C>T (p.Leu773Phe)

Gene: PIK3AP1 (phosphoinositide-3-kinase adaptor protein 1; minus strand). Cytogenetic location: 10q24.1.
Variant type: single nucleotide variant.
Coding change: c.2317C>T on transcript NM_152309.3 (MANE Select); coding-DNA position 2317, C replaced by T.
Protein change: p.Leu773Phe; replaces leucine 773 with phenylalanine.
Molecular consequence: missense variant.
Genome position (GRCh38, 1-based): chr10:96,602,323, G>A on the plus strand (C>T on the coding strand, the complement: PIK3AP1 is on the minus strand). VCF-style: chr10-96602323-G-A. GRCh37 (hg19) VCF-style: chr10-98362080-G-A.
Other names: short protein forms L773F.
Identifiers: ClinVar variation 963571 (VCV000963571.5), dbSNP rs1462949784, ClinGen allele CA377749129.

ClinVar aggregate classification (germline): Uncertain significance. Review status: criteria provided, multiple submitters, no conflicts (2 of 4 stars). 2 submissions from 2 submitters: Uncertain significance (2). Last evaluated 2025-11-03.

Conditions:
Infantile spasms. Also called: Infantile spasm. Identifiers: MedGen C3887898, HP:0012469.

Allele frequency attached by ClinVar (database versions not stated): gnomAD 0.00001.
gnomAD v4.1: 1 of 1,609,716 alleles (0.000062%); highest among the groups gnomAD compares: Admixed American, 0.0017%; no homozygotes.

Submissions (2):

Ambry Genetics
Classification: Uncertain significance. Last evaluated: 2025-11-03. Review status: criteria provided, single submitter. Criteria: Ambry Variant Classification Scheme 2023. Collection method: clinical testing. Allele origin: germline.

Labcorp Genetics (formerly Invitae), Labcorp
Classification: Uncertain significance for Infantile spasms. Last evaluated: 2021-09-01. Review status: criteria provided, single submitter. Criteria: Invitae Variant Classification Sherloc (09022015). Collection method: clinical testing. Allele origin: germline.
Comment: This sequence change replaces leucine with phenylalanine at codon 773 of the PIK3AP1 protein (p.Leu773Phe). The leucine residue is moderately conserved and there is a small physicochemical difference between leucine and phenylalanine. This variant is not present in population databases (ExAC no frequency). This variant has not been reported in the literature in individuals affected with PIK3AP1-related conditions. Algorithms developed to predict the effect of missense changes on protein structure and function output the following: SIFT: "Tolerated"; PolyPhen-2: "Benign"; Align-GVGD: "Class C0". The phenylalanine amino acid residue is found in multiple mammalian species, which suggests that this missense change does not adversely affect protein function. In summary, the available evidence is currently insufficient to determine the role of this variant in disease. Therefore, it has been classified as a Variant of Uncertain Significance.